The following is an entry in ClinVar:

ClinVar aggregate classification (germline): Benign (1 of 4 stars; one submission).

Conditions:
Klippel-Feil syndrome 1, autosomal dominant (KFS1). Also called: CERVICAL VERTEBRAL FUSION, AUTOSOMAL DOMINANT. Identifiers: Orphanet 2345, MedGen C1861689, MONDO:0007306, OMIM 118100.

Allele frequency attached by ClinVar (database versions not stated): gnomAD 0.04711 and 0.05046; 1000 Genomes Project 0.05232; TOPMed 0.05277; 1000 Genomes Project 30x 0.05606.

Submission:

Illumina Laboratory Services, Illumina
Classification: Benign for Klippel-Feil syndrome 1, autosomal dominant. Last evaluated: 2018-01-12. Review status: criteria provided, single submitter. Criteria: ICSL Variant Classification Criteria 13 December 2019. Collection method: clinical testing. Allele origin: germline.
Comment: This variant was observed in the ICSL laboratory as part of a predisposition screen in an ostensibly healthy population. It had not been previously curated by ICSL or reported in the Human Gene Mutation Database (HGMD: prior to June 1st, 2018), and was therefore a candidate for classification through an automated scoring system. Utilizing variant allele frequency, disease prevalence and penetrance estimates, and inheritance mode, an automated score was calculated to assess if this variant is too frequent to cause the disease. Based on the score and internal cut-off values, a variant classified as benign is not then subjected to further curation. The score for this variant resulted in a classification of benign for this disease.

NM_001001557.4(GDF6):c.*2216C>T

Gene: GDF6 (growth differentiation factor 6; minus strand). Cytogenetic location: 8q22.1.
Variant type: single nucleotide variant.
Coding change: c.*2216C>T on transcript NM_001001557.4 (MANE Select); 2216 bases downstream of the stop codon, C replaced by T.
Molecular consequence: 3 prime UTR variant.
Genome position (GRCh38, 1-based): chr8:96,142,347, G>A on the plus strand (C>T on the coding strand, the complement: GDF6 is on the minus strand). VCF-style: chr8-96142347-G-A. GRCh37 (hg19) VCF-style: chr8-97154575-G-A.
Identifiers: ClinVar variation 364005 (VCV000364005.5), dbSNP rs7003079, ClinGen allele CA10631711.